The following is an entry in ClinVar:

ClinVar aggregate classification (germline): Uncertain significance. Review status: criteria provided, multiple submitters, no conflicts (2 of 4 stars). 2 submissions from 2 submitters: Uncertain significance (2). Last evaluated 2022-05-25.

Submissions (2):

Labcorp Genetics (formerly Invitae), Labcorp
Classification: Uncertain significance. Last evaluated: 2022-05-25. Review status: criteria provided, single submitter. Criteria: Invitae Variant Classification Sherloc (09022015). Collection method: clinical testing. Allele origin: germline.
Comment: In summary, the available evidence is currently insufficient to determine the role of this variant in disease. Therefore, it has been classified as a Variant of Uncertain Significance. This sequence change replaces leucine, which is neutral and non-polar, with proline, which is neutral and non-polar, at codon 226 of the KPNA7 protein (p.Leu226Pro). This variant is not present in population databases (gnomAD no frequency). This variant has not been reported in the literature in individuals affected with KPNA7-related conditions. ClinVar contains an entry for this variant (Variation ID: 1037618). Algorithms developed to predict the effect of missense changes on protein structure and function are either unavailable or do not agree on the potential impact of this missense change (SIFT: "Deleterious"; PolyPhen-2: "Probably Damaging"; Align-GVGD: "Class C0").

Blueprint Genetics
Classification: Uncertain significance. Last evaluated: 2020-12-17. Review status: criteria provided, single submitter. Criteria: ACMG Guidelines, 2015. Collection method: clinical testing. Allele origin: germline.

NM_001145715.3(KPNA7):c.677T>C (p.Leu226Pro)

Gene: KPNA7 (karyopherin subunit alpha 7; minus strand). Cytogenetic location: 7q22.1.
Variant type: single nucleotide variant.
Coding change: c.677T>C on transcript NM_001145715.3 (MANE Select); coding-DNA position 677, T replaced by C.
Protein change: p.Leu226Pro; replaces leucine 226 with proline.
Molecular consequence: missense variant.
Genome position (GRCh38, 1-based): chr7:99,188,523, A>G on the plus strand (T>C on the coding strand, the complement: KPNA7 is on the minus strand). VCF-style: chr7-99188523-A-G. GRCh37 (hg19) VCF-style: chr7-98786146-A-G.
Other names: short protein forms L226P.
Identifiers: ClinVar variation 1037618 (VCV001037618.10), dbSNP rs1789759269, ClinGen allele CA368420030.